The following is an entry in ClinVar:

NM_002693.3(POLG):c.3481A>G (p.Arg1161Gly)

Gene: POLG (DNA polymerase gamma, catalytic subunit; minus strand). Cytogenetic location: 15q26.1.
Variant type: single nucleotide variant.
Coding change: c.3481A>G on transcript NM_002693.3 (MANE Select); coding-DNA position 3481, A replaced by G.
Protein change: p.Arg1161Gly; replaces arginine 1161 with glycine.
Molecular consequence: missense variant.
Genome position (GRCh38, 1-based): chr15:89,318,542, T>C on the plus strand (A>G on the coding strand, the complement: POLG is on the minus strand). VCF-style: chr15-89318542-T-C. GRCh37 (hg19) VCF-style: chr15-89861773-T-C.
Other names: c.3481A>G, p.Arg1161Gly (NM_001126131.2); short protein forms R1161G.
Identifiers: ClinVar variation 3342564 (VCV003342564.1).
Genomic context (GRCh38, chr15:89,318,542, plus strand): 5'-TCACCCAAAGCCCCACATAGGAGCACATGGCCAGGCTAGAGGCCATGGGCCCCGCATACC[T>C]GGTCAAGAGGTTGGTGATCTGCAAGGCCAGGGCAGCGCGGTAGCGGTCCTCCTCCCGCAC-3'
Protein context (NP_002684.1, residues 1151-1171): LALQITNLLT[Arg1161Gly]CMFAYKLGLN

ClinVar aggregate classification (germline): Likely pathogenic (1 of 4 stars; one submission).

Submission:

GeneDx
Classification: Likely pathogenic. Last evaluated: 2024-03-29. Review status: criteria provided, single submitter. Criteria: GeneDx Variant Classification Process June 2021. Collection method: clinical testing. Allele origin: germline. Affected: yes.
Comment: Not observed at significant frequency in large population cohorts (gnomAD); In silico analysis supports that this missense variant has a deleterious effect on protein structure/function; Has not been previously published as pathogenic or benign to our knowledge